The following is an entry in ClinVar:

ClinVar aggregate classification (germline): Benign (3 of 4 stars; one submission).

Conditions:
Breast-ovarian cancer, familial, susceptibility to, 2 (BROVCA2). Also called: BRCA2 Hereditary Breast and Ovarian Cancer. Identifiers: Orphanet 145, MedGen C2675520, MONDO:0012933, OMIM 612555. Disease mechanism: loss of function.

Allele frequency attached by ClinVar (database versions not stated): gnomAD 0.00063 and 0.00105; TOPMed 0.00091; 1000 Genomes Project 30x 0.00874; 1000 Genomes Project 0.00899.
gnomAD v4.1: 158 of 152,296 alleles (0.1%); highest among the groups gnomAD compares: East Asian, 2.3%; 2 homozygotes.

Submission:

Evidence-based Network for the Interpretation of Germline Mutant Alleles (ENIGMA)
Classification: Benign for Breast-ovarian cancer, familial 2. Last evaluated: 2015-01-12. Review status: reviewed by expert panel. Criteria: ENIGMA BRCA1/2 Classification Criteria (2015). Collection method: curation. Allele origin: germline.
Comment: Class 1 not pathogenic based on frequency >1% in an outbred sampleset. Frequency 0.01049 (Asian), derived from 1000 genomes (2012-04-30).

NM_000059.4(BRCA2):c.8332-1949T>C

Gene: BRCA2 (BRCA2 DNA repair associated; plus strand). Cytogenetic location: 13q13.1.
Variant type: single nucleotide variant.
Coding change: c.8332-1949T>C on transcript NM_000059.4 (MANE Select); 1949 bases into the intron before coding-DNA position 8332, T replaced by C.
Molecular consequence: intron variant.
Genome position (GRCh38, 1-based): chr13:32,368,453, T>C. VCF-style: chr13-32368453-T-C. GRCh37 (hg19) VCF-style: chr13-32942590-T-C.
Other names: IVS 18-1949T>C.
Identifiers: ClinVar variation 209802 (VCV000209802.1), dbSNP rs117760836, ClinGen allele CA276770.